The following is an entry in ClinVar:

NM_000135.4(FANCA):c.1094T>C (p.Met365Thr)

Gene: FANCA (FA complementation group A; minus strand). Cytogenetic location: 16q24.3.
Variant type: single nucleotide variant.
Coding change: c.1094T>C on transcript NM_000135.4 (MANE Select); coding-DNA position 1094, T replaced by C.
Protein change: p.Met365Thr; replaces methionine 365 with threonine.
Molecular consequence: missense variant.
Genome position (GRCh38, 1-based): chr16:89,792,058, A>G on the plus strand (T>C on the coding strand, the complement: FANCA is on the minus strand). VCF-style: chr16-89792058-A-G. GRCh37 (hg19) VCF-style: chr16-89858466-A-G.
Other names: c.1094T>C, p.Met365Thr (NM_001286167.3); short protein forms M365T.
Identifiers: ClinVar variation 5036415 (VCV005036415.1).

ClinVar aggregate classification (germline): Uncertain significance (1 of 4 stars; one submission).

Conditions:
Inborn genetic diseases. Identifiers: MedGen C0950123, MeSH D030342.

Submission:

Ambry Genetics
Classification: Uncertain significance for Inborn genetic diseases. Last evaluated: 2026-08-16. Review status: criteria provided, single submitter. Criteria: Ambry Variant Classification Scheme 2023. Collection method: clinical testing. Allele origin: germline.
Comment: The p.M365T variant (also known as c.1094T>C), located in coding exon 13 of the FANCA gene, results from a T to C substitution at nucleotide position 1094. The methionine at codon 365 is replaced by threonine, an amino acid with similar properties. This amino acid position is conserved. In addition, this alteration is predicted to be tolerated by in silico analysis. Based on the available evidence, the clinical significance of this variant remains unclear.